The following is an entry in ClinVar:

NM_000046.5(ARSB):c.1389del (p.Ser464fs)

Gene: ARSB (arylsulfatase B; minus strand). Cytogenetic location: 5q14.1.
Variant type: Deletion.
Coding change: c.1389del on transcript NM_000046.5 (MANE Select); coding-DNA position 1389, one base deleted (C; older notation c.1389delC).
Protein change: p.Ser464fs; shifts the reading frame from serine 464.
Molecular consequence: frameshift variant.
Genome position (GRCh38, 1-based): chr5:78,780,610, G deleted on the plus strand (C on the coding strand, the reverse complement: ARSB is on the minus strand); the first of 3 consecutive G bases (chr5:78,780,610-78,780,612); deleting any one gives the same sequence. VCF-style (leftmost placement, unchanged base first): chr5-78780609-AG-A. GRCh37 (hg19) VCF-style: chr5-78076432-AG-A.
Other names: short protein forms S464fs.
Identifiers: ClinVar variation 4722210 (VCV004722210.1).

ClinVar aggregate classification (germline): Pathogenic (1 of 4 stars; one submission).

Conditions:
Mucopolysaccharidosis type 6 (MPS6). Also called: N-ACETYLGALACTOSAMINE-4-SULFATASE DEFICIENCY; MPS 6; Maroteaux Lamy syndrome; MPS VI; ARSB DEFICIENCY; ARYLSULFATASE B DEFICIENCY. Identifiers: Orphanet 583, MedGen C0026709, MONDO:0009661, OMIM 253200.

Submission:

Labcorp Genetics (formerly Invitae), Labcorp
Classification: Pathogenic for Mucopolysaccharidosis type 6. Last evaluated: 2025-07-30. Review status: criteria provided, single submitter. Criteria: Invitae Variant Classification Sherloc (09022015). Collection method: clinical testing. Allele origin: germline.
Comment: This sequence change is expected to alter the c-terminus of the ARSB protein (p.Ser464Hisfs*110). While this is not anticipated to result in nonsense mediated decay, it is expected to disrupt the last 70 amino acid(s) of the ARSB protein and extend the protein by 39 additional amino acid residues. This variant is not present in population databases (gnomAD no frequency). This variant has not been reported in the literature in individuals affected with ARSB-related conditions. This variant results in an extension of the ARSB protein. Other variant(s) that result in a similarly extended protein product (p.Thr526Metfs*48) have been determined to be pathogenic (PMID: 8116615, 24677745). This suggests that these extensions are likely to be disease-causing. For these reasons, this variant has been classified as Pathogenic.

Literature cited by the submitters: PubMed 8116615; PubMed 24677745.